The following is an entry in ClinVar:

NM_013275.6(ANKRD11):c.6168del (p.Pro2055_Tyr2056insTer)

Gene: ANKRD11 (ankyrin repeat domain 11; minus strand). Cytogenetic location: 16q24.3.
Variant type: Deletion.
Coding change: c.6168del on transcript NM_013275.6 (MANE Select); coding-DNA position 6168, one base deleted (C; older notation c.6168delC).
Protein change: p.Pro2055_Tyr2056insTer.
Molecular consequence: nonsense.
Genome position (GRCh38, 1-based): chr16:89,280,374, G deleted on the plus strand (C on the coding strand, the reverse complement: ANKRD11 is on the minus strand). VCF-style (leftmost placement, unchanged base first): chr16-89280373-CG-C. GRCh37 (hg19) VCF-style: chr16-89346781-CG-C.
Other names: c.6168del, p.Pro2055_Tyr2056insTer (NM_001256182.2, NM_001256183.2).
Identifiers: ClinVar variation 4850057 (VCV004850057.1).
Genomic context (GRCh38, chr16:89,280,373, plus strand): 5'-GCGGGGCTTCCGGAAGTGACTTGCAGTTGCTGAAGAAGGACTCCAGCCCGGAGGGAGGGG[CG>C]TAGGGAGCCGCCTCTGAGGTGGAGATGGCGGCGGGGACGGCGTCCACTCCGTCCTTGACG-3'

ClinVar aggregate classification (germline): Pathogenic (1 of 4 stars; one submission).

Conditions:
KBG syndrome (KBGS). Also called: ANKRD11-Related KBG Syndrome. Identifiers: Orphanet 2332, MedGen C0220687, MONDO:0007846, OMIM 148050.

Submission:

Variantyx, Inc.
Classification: Pathogenic for KBG syndrome. Last evaluated: 2025-09-16. Review status: criteria provided, single submitter. Criteria: Variantyx Assertion Criteria 2022. Collection method: clinical testing. Allele origin: de novo. Inheritance: Autosomal dominant inheritance. Affected: yes.
Comment: This is a frameshift variant in the ANKRD11 gene (OMIM: 611192). Pathogenic variants in this gene have been associated with autosomal dominant KBG syndrome. org/) (PM2). This variant introduces a premature termination codon in exon 9 out of 13 and is expected to result in loss of function, which is a known disease mechanism for ANKRD11 in this disorder (PMID: 21782149, 25125236, 25413698, 25652421) (PVS1). It has not been reported in individuals with ANKRD11-related disorders in the databases available for review and it is absent from control populations (. Based on the current evidence, this variant is classified as pathogenic for autosomal dominant KBG syndrome.

Literature cited by the submitters: PubMed 21782149; PubMed 25125236; PubMed 25413698; PubMed 25652421.